The following is an entry in ClinVar:

ClinVar aggregate classification (germline): Uncertain significance (1 of 4 stars; one submission).

Conditions:
Frasier syndrome. Identifiers: Orphanet 347, MedGen C0950122, MeSH D052159, MONDO:0007635, OMIM 136680.
Wilms tumor 1 (WT1). Also called: Wilms tumor, somatic. Identifiers: Orphanet 654, MedGen CN033288, MONDO:0008679, OMIM 194070.
11p partial monosomy syndrome (WAGR). Also called: WAGR Complex; CHROMOSOME 11p13 DELETION SYNDROME; WAGR syndrome; WAGR Spectrum Disorder. Identifiers: Orphanet 893, MedGen C0206115, MONDO:0008681, OMIM 194072.
Drash syndrome (DDS). Also called: NEPHROPATHY, WILMS TUMOR, AND GENITAL ANOMALIES; WILMS TUMOR AND PSEUDO- OR TRUE HERMAPHRODITISM. Identifiers: Orphanet 220, MedGen C0950121, MONDO:0008682, OMIM 194080.

Submission:

Labcorp Genetics (formerly Invitae), Labcorp
Classification: Uncertain significance for Wilms tumor 1; Drash syndrome; 11p partial monosomy syndrome; Frasier syndrome. Last evaluated: 2020-07-22. Review status: criteria provided, single submitter. Criteria: Invitae Variant Classification Sherloc (09022015). Collection method: clinical testing. Allele origin: germline.
Comment: In summary, the available evidence is currently insufficient to determine the role of this variant in disease. Therefore, it has been classified as a Variant of Uncertain Significance. Algorithms developed to predict the effect of missense changes on protein structure and function are either unavailable or do not agree on the potential impact of this missense change (SIFT: "Deleterious"; PolyPhen-2: "Probably Damaging"; Align-GVGD: "Class C0"). This variant has not been reported in the literature in individuals with WT1-related conditions. The frequency data for this variant in the population databases is considered unreliable, as metrics indicate insufficient coverage at this position in the ExAC database. This sequence change replaces serine with leucine at codon 118 of the WT1 protein (p.Ser118Leu). The serine residue is highly conserved and there is a large physicochemical difference between serine and leucine.

NM_024426.6(WT1):c.368C>T (p.Ser123Leu)

Genes: WT1 (WT1 transcription factor; minus strand), LOC107982234 (WT1/WT1-AS bi-directional promoter region; plus strand). Cytogenetic location: 11p13.
Variant type: single nucleotide variant.
Coding change: c.368C>T on transcript NM_024426.6 (MANE Select); coding-DNA position 368, C replaced by T.
Protein change: p.Ser123Leu; replaces serine 123 with leucine.
Molecular consequence: missense variant. On other transcripts: non-coding transcript variant (1).
Genome position (GRCh38, 1-based): chr11:32,434,993, G>A on the plus strand (C>T on the coding strand, the complement: WT1 is on the minus strand). VCF-style: chr11-32434993-G-A. GRCh37 (hg19) VCF-style: chr11-32456539-G-A.
Other names: c.368C>T, p.Ser123Leu (NM_000378.6, NM_024424.5); short protein forms S123L.
Identifiers: ClinVar variation 1057087 (VCV001057087.9), dbSNP rs2133104248, ClinGen allele CA379965835.
Genomic context (GRCh38, chr11:32,434,993, plus strand): 5'-GAGTGAGGCGGCGGCGGCGGGGGTGGCGGCGGAGCCGGTGGCGGCGCGGGGCCGCCCAAC[G>A]ACCCGTAAGCCGAAGCGCCCGGGGGCGCAAAGTCCAGCACCGGCGCCCACTGCGCCGCGC-3'
Protein context (NP_077744.4, residues 113-133): FAPPGASAYG[Ser123Leu]LGGPAPPPAP